The following is an entry in ClinVar:

ClinVar aggregate classification (germline): Uncertain significance (1 of 4 stars; one submission).

Conditions:
Epilepsy. Also called: Seizure disorder. Identifiers: MedGen C0014544, MeSH D004827, MONDO:0005027.

Submission:

Labcorp Genetics (formerly Invitae), Labcorp
Classification: Uncertain significance for Epilepsy. Last evaluated: 2024-03-14. Review status: criteria provided, single submitter. Criteria: Invitae Variant Classification Sherloc (09022015). Collection method: clinical testing. Allele origin: germline.
Comment: This sequence change replaces cysteine, which is neutral and slightly polar, with arginine, which is basic and polar, at codon 213 of the PIGQ protein (p.Cys213Arg). This variant is not present in population databases (gnomAD no frequency). This variant has not been reported in the literature in individuals affected with PIGQ-related conditions. ClinVar contains an entry for this variant (Variation ID: 2177029). An algorithm developed to predict the effect of missense changes on protein structure and function (PolyPhen-2) suggests that this variant is likely to be disruptive. In summary, the available evidence is currently insufficient to determine the role of this variant in disease. Therefore, it has been classified as a Variant of Uncertain Significance.

NM_004204.5(PIGQ):c.637T>C (p.Cys213Arg)

Gene: PIGQ (phosphatidylinositol glycan anchor biosynthesis class Q; plus strand). Cytogenetic location: 16p13.3.
Variant type: single nucleotide variant.
Coding change: c.637T>C on transcript NM_004204.5 (MANE Select); coding-DNA position 637, T replaced by C.
Protein change: p.Cys213Arg; replaces cysteine 213 with arginine.
Molecular consequence: missense variant.
Genome position (GRCh38, 1-based): chr16:574,711, T>C. VCF-style: chr16-574711-T-C. GRCh37 (hg19) VCF-style: chr16-624711-T-C.
Other names: c.637T>C, p.Cys213Arg (NM_148920.4); short protein forms C213R.
Identifiers: ClinVar variation 2177029 (VCV002177029.3), dbSNP rs2505931890, ClinGen allele CA394049981.